The following is an entry in ClinVar:

ClinVar aggregate classification (germline): Uncertain significance. Review status: criteria provided, multiple submitters, no conflicts (2 of 4 stars). 2 submissions from 2 submitters: Uncertain significance (2). Last evaluated 2026-07-17.

Conditions:
Inborn genetic diseases. Identifiers: MedGen C0950123, MeSH D030342.

Allele frequency attached by ClinVar (database versions not stated): gnomAD exomes below 0.00001; gnomAD 0.00003; TOPMed 0.00014.
gnomAD v4.1: 15 of 1,614,104 alleles (0.00093%); highest among the groups gnomAD compares: Admixed American, 0.015%; no homozygotes.

Submissions (2):

GeneDx
Classification: Uncertain significance. Last evaluated: 2026-07-17. Review status: criteria provided, single submitter. Criteria: GeneDx Variant Classification Process June 2021. Collection method: clinical testing. Allele origin: germline.
Comment: Not observed at significant frequency in large population cohorts (gnomAD); In silico analysis suggests that this missense variant does not alter protein structure/function; Has not been previously published as pathogenic or benign to our knowledge

Ambry Genetics
Classification: Uncertain significance for Inborn genetic diseases. Last evaluated: 2025-10-14. Review status: criteria provided, single submitter. Criteria: Ambry Variant Classification Scheme 2023. Collection method: clinical testing. Allele origin: germline.

NM_015465.5(GEMIN5):c.2225A>G (p.Lys742Arg)

Gene: GEMIN5 (gem nuclear organelle associated protein 5; minus strand). Cytogenetic location: 5q33.2.
Variant type: single nucleotide variant.
Coding change: c.2225A>G on transcript NM_015465.5 (MANE Select); coding-DNA position 2225, A replaced by G.
Protein change: p.Lys742Arg; replaces lysine 742 with arginine.
Molecular consequence: missense variant.
Genome position (GRCh38, 1-based): chr5:154,907,761, T>C on the plus strand (A>G on the coding strand, the complement: GEMIN5 is on the minus strand). VCF-style: chr5-154907761-T-C. GRCh37 (hg19) VCF-style: chr5-154287321-T-C.
Other names: c.2222A>G, p.Lys741Arg (NM_001252156.2); c.2225A>G (NM_015465.4); short protein forms K741R, K742R.
Identifiers: ClinVar variation 2619595 (VCV002619595.5), dbSNP rs1383288987, ClinGen allele CA361960641.